The following is an entry in ClinVar:

NM_001127222.2(CACNA1A):c.3288G>A (p.Lys1096=)

Gene: CACNA1A (calcium voltage-gated channel subunit alpha1 A; minus strand). Cytogenetic location: 19p13.13.
Variant type: single nucleotide variant.
Coding change: c.3288G>A on transcript NM_001127222.2 (MANE Select); coding-DNA position 3288, G replaced by A.
Protein change: p.Lys1096=; no amino-acid change (lysine 1096 retained).
Molecular consequence: synonymous variant.
Genome position (GRCh38, 1-based): chr19:13,286,768, C>T on the plus strand (G>A on the coding strand, the complement: CACNA1A is on the minus strand). VCF-style: chr19-13286768-C-T. GRCh37 (hg19) VCF-style: chr19-13397582-C-T.
Other names: c.3300G>A, p.Lys1100= (NM_000068.4, NM_023035.3); c.3291G>A, p.Lys1097= (NM_001127221.2, NM_001174080.2).
Identifiers: ClinVar variation 511875 (VCV000511875.10), dbSNP rs1555752995, ClinGen allele CA505784995.
Genomic context (GRCh38, chr19:13,286,768, plus strand): 5'-GGGGTTGGTGGCCATGGCAGGGATGGCCAGCATGGGGCCGGGGTCGGTGCTGTTTCCCAT[C>T]TTGGCTGGGCTCTGGGGCAGGCCGGCGTGGCCAAGGCTGCCGTGGGGAGCGGCCGACTCC-3'
Protein context (NP_001120694.1, residues 1086-1106): GHAGLPQSPA[Lys1096=]MGNSTDPGPM

ClinVar aggregate classification (germline): Likely benign. Review status: criteria provided, multiple submitters, no conflicts (2 of 4 stars). 2 submissions from 2 submitters: Likely benign (2). Last evaluated 2025-12-29.

Conditions:
Episodic ataxia type 2 (EA2). Also called: ATAXIA, EPISODIC, WITH NYSTAGMUS; ATAXIA, FAMILIAL PAROXYSMAL; CEREBELLAR ATAXIA, PAROXYSMAL, ACETAZOLAMIDE-RESPONSIVE; CEREBELLOPATHY, HEREDITARY PAROXYSMAL; EPISODIC ATAXIA, NYSTAGMUS-ASSOCIATED; ACETAZOLAMIDE-RESPONSIVE HEREDITARY PAROXYSMAL CEREBELLAR ATAXIA. Identifiers: Orphanet 97, MedGen C1720416, MONDO:0007163, OMIM 108500.
Developmental and epileptic encephalopathy, 42 (DEE42A). Also called: DEVELOPMENTAL AND EPILEPTIC ENCEPHALOPATHY 42A; EPILEPTIC ENCEPHALOPATHY, EARLY INFANTILE, 42A; Epileptic encephalopathy, early infantile, 42. Identifiers: MedGen C4310716, MONDO:0014917, OMIM 617106.

Allele frequency attached by ClinVar (database versions not stated): gnomAD exomes below 0.00001.
gnomAD v4.1: 1 of 1,611,688 alleles (0.000062%); highest among the groups gnomAD compares: African/African-American, 0.0013%; no homozygotes.

Submissions (2):

Labcorp Genetics (formerly Invitae), Labcorp
Classification: Likely benign for Developmental and epileptic encephalopathy, 42; Episodic ataxia type 2. Last evaluated: 2025-12-29. Review status: criteria provided, single submitter. Criteria: Invitae Variant Classification Sherloc (09022015). Collection method: clinical testing. Allele origin: germline.

GeneDx
Classification: Likely benign. Last evaluated: 2017-09-07. Review status: criteria provided, single submitter. Criteria: GeneDx Variant Classification (06012015). Collection method: clinical testing. Allele origin: germline. Affected: yes.
Comment: This variant is considered likely benign or benign based on one or more of the following criteria: it is a conservative change, it occurs at a poorly conserved position in the protein, it is predicted to be benign by multiple in silico algorithms, and/or has population frequency not consistent with disease.